The following is an entry in ClinVar:

ClinVar aggregate classification (germline): Uncertain significance (1 of 4 stars; one submission).

Conditions:
Neuronal ceroid lipofuscinosis. Also called: Neuronal Ceroid Lipofuscinoses. Identifiers: Orphanet 216, Orphanet 79263, MedGen C0027877, MONDO:0016295. Disease mechanism: loss of function.

Allele frequency attached by ClinVar (database versions not stated): gnomAD exomes below 0.00001; ExAC 0.00001; gnomAD 0.00001; TOPMed 0.00002; ESP Exome Variant Server 0.00008.
gnomAD v4.1: 2 of 1,614,074 alleles (0.00012%); highest among the groups gnomAD compares: African/African-American, 0.0027%; no homozygotes.

Submission:

Labcorp Genetics (formerly Invitae), Labcorp
Classification: Uncertain significance for Neuronal ceroid lipofuscinosis. Last evaluated: 2024-10-29. Review status: criteria provided, single submitter. Criteria: Invitae Variant Classification Sherloc (09022015). Collection method: clinical testing. Allele origin: germline.
Comment: This sequence change replaces valine, which is neutral and non-polar, with leucine, which is neutral and non-polar, at codon 236 of the CLN8 protein (p.Val236Leu). This variant is present in population databases (rs371830719, gnomAD 0.007%). This variant has not been reported in the literature in individuals affected with CLN8-related conditions. ClinVar contains an entry for this variant (Variation ID: 1965054). Invitae Evidence Modeling of protein sequence and biophysical properties (such as structural, functional, and spatial information, amino acid conservation, physicochemical variation, residue mobility, and thermodynamic stability) indicates that this missense variant is not expected to disrupt CLN8 protein function with a negative predictive value of 95%. In summary, the available evidence is currently insufficient to determine the role of this variant in disease. Therefore, it has been classified as a Variant of Uncertain Significance.

NM_018941.4(CLN8):c.706G>C (p.Val236Leu)

Gene: CLN8 (CLN8 transmembrane ER and ERGIC protein; plus strand). Cytogenetic location: 8p23.3.
Variant type: single nucleotide variant.
Coding change: c.706G>C on transcript NM_018941.4 (MANE Select); coding-DNA position 706, G replaced by C.
Protein change: p.Val236Leu; replaces valine 236 with leucine.
Molecular consequence: missense variant.
Genome position (GRCh38, 1-based): chr8:1,780,412, G>C. VCF-style: chr8-1780412-G-C. GRCh37 (hg19) VCF-style: chr8-1728578-G-C.
Other names: short protein forms V236L.
Identifiers: ClinVar variation 1965054 (VCV001965054.5), dbSNP rs371830719, ClinGen allele CA4599339.